The following is an entry in ClinVar:

NM_004481.5(GALNT2):c.1077C>T (p.His359=)

Gene: GALNT2 (polypeptide N-acetylgalactosaminyltransferase 2; plus strand). Cytogenetic location: 1q42.13.
Variant type: single nucleotide variant.
Coding change: c.1077C>T on transcript NM_004481.5 (MANE Select); coding-DNA position 1077, C replaced by T.
Protein change: p.His359=; no amino-acid change (histidine 359 retained).
Molecular consequence: synonymous variant.
Genome position (GRCh38, 1-based): chr1:230,255,285, C>T. VCF-style: chr1-230255285-C-T. GRCh37 (hg19) VCF-style: chr1-230391031-C-T.
Other names: c.963C>T, p.His321= (NM_001291866.2).
Identifiers: ClinVar variation 785954 (VCV000785954.25), dbSNP rs147354186, ClinGen allele CA1446393.

ClinVar aggregate classification (germline): Benign/Likely benign. Review status: criteria provided, multiple submitters, no conflicts (2 of 4 stars). 4 submissions from 4 submitters: Benign (1); Likely benign (2). 1 of the submissions does not count toward it. Last evaluated 2025-11-10.

Conditions:
GALNT2-related disorder. Also called: GALNT2-related condition.
Congenital disorder of glycosylation, type iit. Also called: CDG IIt. Identifiers: MedGen C5394387, MONDO:0030043, OMIM 618885.

Allele frequency attached by ClinVar (database versions not stated): ESP Exome Variant Server 0.00169; gnomAD 0.00172 and 0.00160; TOPMed 0.00187; 1000 Genomes Project 0.00200; 1000 Genomes Project 30x 0.00203; gnomAD exomes 0.00019 and 0.00051; ExAC 0.00049.
gnomAD v4.1: 543 of 1,614,226 alleles (0.034%); highest among the groups gnomAD compares: African/African-American, 0.56%; 2 homozygotes.

Submissions (4):

Labcorp Genetics (formerly Invitae), Labcorp
Classification: Benign. Last evaluated: 2025-11-10. Review status: criteria provided, single submitter. Criteria: Invitae Variant Classification Sherloc (09022015). Collection method: clinical testing. Allele origin: germline.

CeGaT Center for Human Genetics Tuebingen
Classification: Likely benign. Last evaluated: 2025-01-01. Review status: criteria provided, single submitter. Criteria: CeGaT Center For Human Genetics Tuebingen Variant Classification Criteria Version 2. Collection method: clinical testing. Allele origin: germline. Affected: yes. Observed: 1 variant allele.
Comment: GALNT2: BP4, BP7

Fulgent Genetics
Classification: Likely benign for Congenital disorder of glycosylation, type iit. Last evaluated: 2022-05-17. Review status: criteria provided, single submitter. Criteria: ACMG Guidelines, 2015. Collection method: clinical testing. Allele origin: unknown.

PreventionGenetics, part of Exact Sciences
Classification: Likely benign for GALNT2-related condition. Last evaluated: 2019-02-22. Review status: no assertion criteria provided. Collection method: clinical testing. Allele origin: germline. Not counted in ClinVar's aggregate classification.
Comment: This variant is classified as likely benign based on ACMG/AMP sequence variant interpretation guidelines (Richards et al. 2015 PMID: 25741868, with internal and published modifications).